The following is an entry in ClinVar:

ClinVar aggregate classification (germline): Uncertain significance (1 of 4 stars; one submission).

Conditions:
Glycogen storage disease XV (GSD15). Also called: GLYCOGENIN DEFICIENCY; GSD XV. Identifiers: Orphanet 263297, MedGen C3150754, MONDO:0013291, OMIM 613507.
Polyglucosan body myopathy type 2. Identifiers: Orphanet 456369, MedGen C4015452, MONDO:0014526, OMIM 616199.

Submission:

Labcorp Genetics (formerly Invitae), Labcorp
Classification: Uncertain significance for Polyglucosan body myopathy type 2; Glycogen storage disease XV. Last evaluated: 2021-08-31. Review status: criteria provided, single submitter. Criteria: Invitae Variant Classification Sherloc (09022015). Collection method: clinical testing. Allele origin: germline.
Comment: This variant, c.98_100delinsATT, is a complex sequence change that results in the deletion of 2 and insertion of 2 amino acid(s) in the GYG1 protein (p.Arg33_Arg34delinsAsnTrp). The frequency data for this variant in the population databases is not available, as this variant may be reported as separate entries in the ExAC database. This variant has not been reported in the literature in individuals affected with GYG1-related conditions. Experimental studies and prediction algorithms are not available or were not evaluated, and the functional significance of this variant is currently unknown. In summary, the available evidence is currently insufficient to determine the role of this variant in disease. Therefore, it has been classified as a Variant of Uncertain Significance.

NM_004130.4(GYG1):c.98_100delinsATT (p.Arg33_Arg34delinsAsnTrp)

Gene: GYG1 (glycogenin 1; plus strand). Cytogenetic location: 3q24.
Variant type: Indel.
Coding change: c.98_100delinsATT on transcript NM_004130.4 (MANE Select); coding-DNA positions 98 to 100, GGA replaced by ATT.
Protein change: p.Arg33_Arg34delinsAsnTrp.
Molecular consequence: missense variant.
Genome position (GRCh38, 1-based): chr3:148,994,232-148,994,234, GGA replaced by ATT. VCF-style: chr3-148994232-GGA-ATT. GRCh37 (hg19) VCF-style: chr3-148712019-GGA-ATT.
Other names: c.98_100delinsATT, p.Arg33_Arg34delinsAsnTrp (NM_001184720.2, NM_001184721.2).
Identifiers: ClinVar variation 1355339 (VCV001355339.5), dbSNP rs2107884534, ClinGen allele CA2573136578.